The following is an entry in ClinVar:

NM_013266.4(CTNNA3):c.768A>G (p.Ser256=)

Gene: CTNNA3 (catenin alpha 3; minus strand). Cytogenetic location: 10q21.3.
Variant type: single nucleotide variant.
Coding change: c.768A>G on transcript NM_013266.4 (MANE Select); coding-DNA position 768, A replaced by G.
Protein change: p.Ser256=; no amino-acid change (serine 256 retained).
Molecular consequence: synonymous variant.
Genome position (GRCh38, 1-based): chr10:67,219,682, T>C on the plus strand (A>G on the coding strand, the complement: CTNNA3 is on the minus strand). VCF-style: chr10-67219682-T-C. GRCh37 (hg19) VCF-style: chr10-68979440-T-C.
Other names: c.768A>G, p.Ser256= (NM_001127384.3); c.804A>G, p.Ser268= (NM_001291133.2); c.768A>G (NM_013266.3).
Identifiers: ClinVar variation 1105262 (VCV001105262.14), dbSNP rs140926333, ClinGen allele CA5520506.
Genomic context (GRCh38, chr10:67,219,682, plus strand): 5'-GGCACTTCCCAGGGTTGCTGCCTGAGGTTCTGGTGGGGTTGTCATATTCTGGATCCCTTG[T>C]GAAGCATTTGAAATTACATTGAGAGCATTCTGAATTTCTTCACAAACTGTGTCCTTGCTT-3'
Protein context (NP_037398.2, residues 246-266): QNALNVISNA[Ser256=]QGIQNMTTPP

ClinVar aggregate classification (germline): Likely benign. Review status: criteria provided, multiple submitters, no conflicts (2 of 4 stars). 4 submissions from 4 submitters: Likely benign (3). 1 of the submissions does not count toward it. Last evaluated 2025-11-26.

Conditions:
CTNNA3-related disorder. Also called: CTNNA3-related condition.
Arrhythmogenic right ventricular dysplasia 13. Also called: ARRHYTHMOGENIC RIGHT VENTRICULAR CARDIOMYOPATHY 13; Arrhythmogenic right ventricular dysplasia, familial, 13. Identifiers: MedGen C3810138, MONDO:0000908, OMIM 615616.

Allele frequency attached by ClinVar (database versions not stated): gnomAD exomes 0.00004 and 0.00006; ExAC 0.00007; gnomAD 0.00013 and 0.00014; ESP Exome Variant Server 0.00015; 1000 Genomes Project 0.00020; TOPMed 0.00029; 1000 Genomes Project 30x 0.00031.
gnomAD v4.1: 80 of 1,614,180 alleles (0.005%); highest among the groups gnomAD compares: Admixed American, 0.037%; no homozygotes.

Submissions (4):

Labcorp Genetics (formerly Invitae), Labcorp
Classification: Likely benign for Arrhythmogenic right ventricular dysplasia 13. Last evaluated: 2025-11-26. Review status: criteria provided, single submitter. Criteria: Invitae Variant Classification Sherloc (09022015). Collection method: clinical testing. Allele origin: germline.

Blueprint Genetics
Classification: Likely benign. Last evaluated: 2021-03-18. Review status: criteria provided, single submitter. Criteria: ACMG Guidelines, 2015. Collection method: clinical testing. Allele origin: germline.

Ambry Genetics
Classification: Likely benign. Last evaluated: 2020-07-21. Review status: criteria provided, single submitter. Criteria: Ambry Variant Classification Scheme 2023. Collection method: clinical testing. Allele origin: germline.

PreventionGenetics, part of Exact Sciences
Classification: Likely benign for CTNNA3-related condition. Last evaluated: 2019-11-21. Review status: no assertion criteria provided. Collection method: clinical testing. Allele origin: germline. Not counted in ClinVar's aggregate classification.
Comment: This variant is classified as likely benign based on ACMG/AMP sequence variant interpretation guidelines (Richards et al. 2015 PMID: 25741868, with internal and published modifications).